The following is an entry in ClinVar:

ClinVar aggregate classification (germline): Benign. Review status: criteria provided, multiple submitters, no conflicts (2 of 4 stars). 3 submissions from 3 submitters: Benign (3). Last evaluated 2018-06-19.

Conditions:
Pitt-Hopkins-like syndrome 2 (PTHSL2). Identifiers: Orphanet 221150, Orphanet 600663, MedGen C3280479, MONDO:0013690, OMIM 614325.

Allele frequency attached by ClinVar (database versions not stated): 1000 Genomes Project 30x 0.17692; 1000 Genomes Project 0.17971; TOPMed 0.21697; gnomAD 0.22924 and 0.23029; gnomAD exomes 0.26332.
gnomAD v4.1: 90,518 of 363,948 alleles (25%); highest among the groups gnomAD compares: Non-Finnish European, 29%; 11,996 homozygotes.

Submissions (3):

GeneDx
Classification: Benign. Last evaluated: 2018-06-19. Review status: criteria provided, single submitter. Criteria: GeneDx Variant Classification (06012015). Collection method: clinical testing. Allele origin: germline. Affected: yes.
Comment: This variant is considered likely benign or benign based on one or more of the following criteria: it is a conservative change, it occurs at a poorly conserved position in the protein, it is predicted to be benign by multiple in silico algorithms, and/or has population frequency not consistent with disease.

Illumina Laboratory Services, Illumina
Classification: Benign for Pitt-Hopkins-like syndrome 2. Last evaluated: 2018-01-13. Review status: criteria provided, single submitter. Criteria: ICSL Variant Classification Criteria 13 December 2019. Collection method: clinical testing. Allele origin: germline.
Comment: This variant was observed in the ICSL laboratory as part of a predisposition screen in an ostensibly healthy population. It had not been previously curated by ICSL or reported in the Human Gene Mutation Database (HGMD: prior to June 1st, 2018), and was therefore a candidate for classification through an automated scoring system. Utilizing variant allele frequency, disease prevalence and penetrance estimates, and inheritance mode, an automated score was calculated to assess if this variant is too frequent to cause the disease. Based on the score and internal cut-off values, a variant classified as benign is not then subjected to further curation. The score for this variant resulted in a classification of benign for this disease.

Breakthrough Genomics
Classification: Benign. Review status: criteria provided, single submitter. Criteria: ACMG Guidelines, 2015. Collection method: not provided. Allele origin: germline. Inheritance: Autosomal recessive inheritance. Affected: yes.

NM_001330078.2(NRXN1):c.-281T>C

Gene: NRXN1 (neurexin 1; minus strand). Cytogenetic location: 2p16.3.
Variant type: single nucleotide variant.
Coding change: c.-281T>C on transcript NM_001330078.2 (MANE Select); 281 bases upstream of the start codon, T replaced by C.
Molecular consequence: 5 prime UTR variant.
Genome position (GRCh38, 1-based): chr2:51,028,554, A>G on the plus strand (T>C on the coding strand, the complement: NRXN1 is on the minus strand). VCF-style: chr2-51028554-A-G. GRCh37 (hg19) VCF-style: chr2-51255692-A-G.
Other names: c.-281T>C (NM_001330093.2, NM_001330094.2, NM_001330095.2 and 15 more transcripts).
Identifiers: ClinVar variation 336562 (VCV000336562.7), dbSNP rs35228545, ClinGen allele CA10615558.